The following is an entry in ClinVar:

NM_001399.5(EDA):c.1119G>T (p.Met373Ile)

Gene: EDA (ectodysplasin A; plus strand). Cytogenetic location: Xq13.1.
Variant type: single nucleotide variant.
Coding change: c.1119G>T on transcript NM_001399.5 (MANE Select); coding-DNA position 1119, G replaced by T.
Protein change: p.Met373Ile; replaces methionine 373 with isoleucine.
Molecular consequence: missense variant.
Genome position (GRCh38, 1-based): chrX:70,035,552, G>T. VCF-style: chrX-70035552-G-T. GRCh37 (hg19) VCF-style: chrX-69255402-G-T.
Other names: c.1113G>T, p.Met371Ile (NM_001005609.2); c.1104G>T, p.Met368Ile (NM_001005612.3); short protein forms M373I, M368I, M371I.
Identifiers: ClinVar variation 2122571 (VCV002122571.4), dbSNP rs2520347265, ClinGen allele CA413450360.

ClinVar aggregate classification (germline): Pathogenic (1 of 4 stars; one submission).

Conditions:
Hypohidrotic X-linked ectodermal dysplasia (XHED). Also called: ECTODERMAL DYSPLASIA 1; Anhidrotic ectodermal dysplasia X-linked; Christ Siemens Touraine syndrome; Christ-Siemans-Touraine syndrome; ECTODERMAL DYSPLASIA, HYPOHIDROTIC, 1; CST SYNDROME. Identifiers: Orphanet 181, Orphanet 238468, MedGen C0162359, MONDO:0010585, OMIM 305100.

Submission:

Labcorp Genetics (formerly Invitae), Labcorp
Classification: Pathogenic for Hypohidrotic X-linked ectodermal dysplasia. Last evaluated: 2022-05-20. Review status: criteria provided, single submitter. Criteria: Invitae Variant Classification Sherloc (09022015). Collection method: clinical testing. Allele origin: germline.
Comment: This missense change has been observed in individuals with clinical features of hypohidrotic ectodermal dysplasia (PMID: 18231121, 27305980; Invitae). For these reasons, this variant has been classified as Pathogenic. Advanced modeling of protein sequence and biophysical properties (such as structural, functional, and spatial information, amino acid conservation, physicochemical variation, residue mobility, and thermodynamic stability) performed at Invitae indicates that this missense variant is expected to disrupt EDA protein function. This variant is not present in population databases (gnomAD no frequency). This sequence change replaces methionine, which is neutral and non-polar, with isoleucine, which is neutral and non-polar, at codon 373 of the EDA protein (p.Met373Ile).

Literature cited by the submitters: PubMed 18231121; PubMed 27305980.